The following is an entry in ClinVar:

NM_005956.4(MTHFD1):c.479-2A>G

Gene: MTHFD1 (methylenetetrahydrofolate dehydrogenase, cyclohydrolase and formyltetrahydrofolate synthetase 1; plus strand). Cytogenetic location: 14q23.3.
Variant type: single nucleotide variant.
Coding change: c.479-2A>G on transcript NM_005956.4 (MANE Select); the canonical splice acceptor site of the intron before coding-DNA position 479, A replaced by G.
Molecular consequence: splice acceptor variant.
Genome position (GRCh38, 1-based): chr14:64,417,886, A>G. VCF-style: chr14-64417886-A-G. GRCh37 (hg19) VCF-style: chr14-64884604-A-G.
Other names: c.479-2A>G (NM_001364837.1).
Identifiers: ClinVar variation 2431552 (VCV002431552.1), dbSNP rs999121868, ClinGen allele CA261830060.

ClinVar aggregate classification (germline): Likely pathogenic (1 of 4 stars; one submission).

Conditions:
Combined immunodeficiency and megaloblastic anemia with or without hyperhomocysteinemia. Also called: COMBINED IMMUNODEFICIENCY AND MEGALOBLASTIC ANEMIA; METHYLENETETRAHYDROFOLATE DEHYDROGENASE 1 DEFICIENCY. Identifiers: Orphanet 658813, MedGen C4540434, MONDO:0060611, OMIM 617780.

gnomAD v4.1: 1 of 1,612,422 alleles (0.000062%); highest among the groups gnomAD compares: Non-Finnish European, 0.000085%; no homozygotes.

Submission:

Laboratorio de Genetica e Diagnostico Molecular, Hospital Israelita Albert Einstein
Classification: Likely pathogenic for Combined immunodeficiency and megaloblastic anemia with or without hyperhomocysteinemia. Last evaluated: 2022-11-11. Review status: criteria provided, single submitter. Criteria: ACMG Guidelines, 2015. Collection method: clinical testing. Allele origin: germline. Affected: yes. Observed: 1 variant allele.
Comment: ACMG classification criteria: PVS1 very strong, PM2 moderated